The following is an entry in ClinVar:

ClinVar aggregate classification (germline): Uncertain significance (1 of 4 stars; one submission).

Allele frequency attached by ClinVar (database versions not stated): ExAC 0.00001.
gnomAD v4.1: 2 of 1,613,706 alleles (0.00012%); highest among the groups gnomAD compares: Admixed American, 0.0033%; no homozygotes.

Submission:

Labcorp Genetics (formerly Invitae), Labcorp
Classification: Uncertain significance. Last evaluated: 2023-06-16. Review status: criteria provided, single submitter. Criteria: Invitae Variant Classification Sherloc (09022015). Collection method: clinical testing. Allele origin: germline.
Comment: In summary, the available evidence is currently insufficient to determine the role of this variant in disease. Therefore, it has been classified as a Variant of Uncertain Significance. An algorithm developed to predict the effect of missense changes on protein structure and function (PolyPhen-2) suggests that this variant is likely to be tolerated. This variant has not been reported in the literature in individuals affected with MCM2-related conditions. This variant is present in population databases (rs767309292, gnomAD 0.006%). This sequence change replaces glutamine, which is neutral and polar, with glutamic acid, which is acidic and polar, at codon 153 of the MCM2 protein (p.Gln153Glu).

NM_004526.4(MCM2):c.457C>G (p.Gln153Glu)

Gene: MCM2 (minichromosome maintenance complex component 2; plus strand). Cytogenetic location: 3q21.3.
Variant type: single nucleotide variant.
Coding change: c.457C>G on transcript NM_004526.4 (MANE Select); coding-DNA position 457, C replaced by G.
Protein change: p.Gln153Glu; replaces glutamine 153 with glutamic acid.
Molecular consequence: missense variant. On other transcripts: non-coding transcript variant (1).
Genome position (GRCh38, 1-based): chr3:127,604,940, C>G. VCF-style: chr3-127604940-C-G. GRCh37 (hg19) VCF-style: chr3-127323783-C-G.
Other names: short protein forms Q153E.
Identifiers: ClinVar variation 3004415 (VCV003004415.3), dbSNP rs767309292, ClinGen allele CA2595593.